The following is an entry in ClinVar:

NM_001106.4(ACVR2B):c.*1957T>G

Gene: ACVR2B (activin A receptor type 2B; plus strand). Cytogenetic location: 3p22.2.
Variant type: single nucleotide variant.
Coding change: c.*1957T>G on transcript NM_001106.4 (MANE Select); 1957 bases downstream of the stop codon, T replaced by G.
Molecular consequence: 3 prime UTR variant.
Genome position (GRCh38, 1-based): chr3:38,485,289, T>G. VCF-style: chr3-38485289-T-G. GRCh37 (hg19) VCF-style: chr3-38526780-T-G.
Identifiers: ClinVar variation 344952 (VCV000344952.5), dbSNP rs115223892, ClinGen allele CA10615735.

ClinVar aggregate classification (germline): Benign (1 of 4 stars; one submission).

Conditions:
Heterotaxy, visceral, 4, autosomal (HTX4). Identifiers: Orphanet 450, MedGen C3151057, MONDO:0013403, OMIM 613751.

Allele frequency attached by ClinVar (database versions not stated): gnomAD 0.00723 and 0.00774; 1000 Genomes Project 0.00859; TOPMed 0.00888; 1000 Genomes Project 30x 0.01015.

Submission:

Illumina Laboratory Services, Illumina
Classification: Benign for Heterotaxy, visceral, 4, autosomal. Last evaluated: 2018-01-13. Review status: criteria provided, single submitter. Criteria: ICSL Variant Classification Criteria 13 December 2019. Collection method: clinical testing. Allele origin: germline.
Comment: This variant was observed in the ICSL laboratory as part of a predisposition screen in an ostensibly healthy population. It had not been previously curated by ICSL or reported in the Human Gene Mutation Database (HGMD: prior to June 1st, 2018), and was therefore a candidate for classification through an automated scoring system. Utilizing variant allele frequency, disease prevalence and penetrance estimates, and inheritance mode, an automated score was calculated to assess if this variant is too frequent to cause the disease. Based on the score and internal cut-off values, a variant classified as benign is not then subjected to further curation. The score for this variant resulted in a classification of benign for this disease.